The following is an entry in ClinVar:

ClinVar aggregate classification (germline): Likely pathogenic (1 of 4 stars; one submission).

Conditions:
Propionic acidemia (PROP). Also called: GLYCINEMIA, KETOTIC; HYPERGLYCINEMIA WITH KETOACIDOSIS AND LEUKOPENIA; KETOTIC HYPERGLYCINEMIA. Identifiers: Orphanet 35, MedGen C0268579, MONDO:0011628, OMIM 606054, HP:0003571.

Submission:

Labcorp Genetics (formerly Invitae), Labcorp
Classification: Likely pathogenic for Propionic acidemia. Last evaluated: 2019-08-29. Review status: criteria provided, single submitter. Criteria: Invitae Variant Classification Sherloc (09022015). Collection method: clinical testing. Allele origin: germline.
Comment: In summary, the currently available evidence indicates that the variant is pathogenic, but additional data are needed to prove that conclusively. Therefore, this variant has been classified as Likely Pathogenic. Donor and acceptor splice site variants typically lead to a loss of protein function (PMID: 16199547), and loss-of-function variants in PCCB are known to be pathogenic (PMID: 15464417). Algorithms developed to predict the effect of sequence changes on RNA splicing suggest that this variant may disrupt the consensus splice site, but this prediction has not been confirmed by published transcriptional studies. This variant has not been reported in the literature in individuals with PCCB-related conditions. This variant is not present in population databases (ExAC no frequency). This sequence change affects a donor splice site in intron 11 of the PCCB gene. It is expected to disrupt RNA splicing and likely results in an absent or disrupted protein product.

Literature cited by the submitters: PubMed 16199547; PubMed 15464417.

NM_000532.5(PCCB):c.1198+1G>A

Gene: PCCB (propionyl-CoA carboxylase subunit beta; plus strand). Cytogenetic location: 3q22.3.
Variant type: single nucleotide variant.
Coding change: c.1198+1G>A on transcript NM_000532.5 (MANE Select); the canonical splice donor site of the intron after coding-DNA position 1198, G replaced by A.
Molecular consequence: splice donor variant.
Genome position (GRCh38, 1-based): chr3:136,326,911, G>A. VCF-style: chr3-136326911-G-A. GRCh37 (hg19) VCF-style: chr3-136045753-G-A.
Other names: c.1258+1G>A (NM_001178014.2).
Identifiers: ClinVar variation 961496 (VCV000961496.8), dbSNP rs1935333494, ClinGen allele CA354648896.